The following is an entry in ClinVar:

NM_181507.2(HPS5):c.284+13T>A

Gene: HPS5 (HPS5 biogenesis of lysosomal organelles complex 2 subunit 2; minus strand). Cytogenetic location: 11p15.1.
Variant type: single nucleotide variant.
Coding change: c.284+13T>A on transcript NM_181507.2 (MANE Select); 13 bases into the intron after coding-DNA position 284, T replaced by A.
Molecular consequence: intron variant.
Genome position (GRCh38, 1-based): chr11:18,311,374, A>T on the plus strand (T>A on the coding strand, the complement: HPS5 is on the minus strand). VCF-style: chr11-18311374-A-T. GRCh37 (hg19) VCF-style: chr11-18332921-A-T.
Other names: c.-59+13T>A (NM_001440929.1, NM_181508.2, NM_001440921.1 and 10 more transcripts); c.173+13T>A (NM_001440915.1, NM_001440914.1, NM_001440913.1); c.284+13T>A (NM_001440931.1, NM_001440917.1, NM_001440906.1 and 6 more transcripts); c.209+13T>A (NM_001440907.1, NM_001440909.1, NM_001440908.1); c.98+13T>A (NM_001440918.1).
Identifiers: ClinVar variation 1630198 (VCV001630198.10), dbSNP rs374602685, ClinGen allele CA5910489.

ClinVar aggregate classification (germline): Likely benign. Review status: criteria provided, multiple submitters, no conflicts (2 of 4 stars). 3 submissions from 3 submitters: Likely benign (3). Last evaluated 2026-01-26.

Allele frequency attached by ClinVar (database versions not stated): ESP Exome Variant Server 0.00015; ExAC 0.00017; gnomAD exomes 0.00018 and 0.00022; gnomAD 0.00021 and 0.00025; TOPMed 0.00023.
gnomAD v4.1: 337 of 1,575,262 alleles (0.021%); highest among the groups gnomAD compares: Middle Eastern, 0.033%; no homozygotes.

Submissions (3):

Labcorp Genetics (formerly Invitae), Labcorp
Classification: Likely benign. Last evaluated: 2026-01-26. Review status: criteria provided, single submitter. Criteria: Invitae Variant Classification Sherloc (09022015). Collection method: clinical testing. Allele origin: germline.

Blueprint Genetics
Classification: Likely benign. Last evaluated: 2024-10-04. Review status: criteria provided, single submitter. Criteria: ACMG Guidelines, 2015. Collection method: clinical testing. Allele origin: germline.

Women's Health and Genetics/Laboratory Corporation of America, LabCorp
Classification: Likely benign. Last evaluated: 2024-09-13. Review status: criteria provided, single submitter. Criteria: LabCorp Variant Classification Summary - May 2015. Collection method: clinical testing. Allele origin: germline.
Comment: Variant summary: HPS5 c.284+13T>A alters a non-conserved nucleotide located at a position not widely known to affect splicing. Consensus agreement among computation tools predict no significant impact on normal splicing. However, these predictions have yet to be confirmed by functional studies. The variant allele was found at a frequency of 0.00018 in 249502 control chromosomes. This frequency is not significantly higher than estimated for a pathogenic variant in HPS5 causing Hermansky-Pudlak Syndrome (0.00018 vs 0.00047), allowing no conclusion about variant significance. To our knowledge, no occurrence of c.284+13T>A in individuals affected with Hermansky-Pudlak Syndrome and no experimental evidence demonstrating its impact on protein function have been reported. ClinVar contains an entry for this variant (Variation ID: 1630198). Based on the evidence outlined above, the variant was classified as likely benign.